The following is an entry in ClinVar:

NM_000393.5(COL5A2):c.3406C>T (p.Arg1136Ter)

Gene: COL5A2 (collagen type V alpha 2 chain; minus strand). Cytogenetic location: 2q32.2.
Variant type: single nucleotide variant.
Coding change: c.3406C>T on transcript NM_000393.5 (MANE Select); coding-DNA position 3406, C replaced by T.
Protein change: p.Arg1136Ter; replaces arginine 1136 with a stop codon.
Molecular consequence: nonsense.
Genome position (GRCh38, 1-based): chr2:189,043,216, G>A on the plus strand (C>T on the coding strand, the complement: COL5A2 is on the minus strand). VCF-style: chr2-189043216-G-A. GRCh37 (hg19) VCF-style: chr2-189907942-G-A.
Other names: short protein forms R1136*.
Identifiers: ClinVar variation 2818690 (VCV002818690.3), dbSNP rs754843093, ClinGen allele CA349860939.
Genomic context (GRCh38, chr2:189,043,216, plus strand): 5'-GGCCAGGAAGACCCTGAAGACCAGTAAAGCCTCTGTGGCCCTTCTGACCTCTGTCACCTC[G>A]GTCTCCATGATCACCTTTGTCACCACGAGGTCCTTGGGGTCCCTAGAAATAGAGATATGG-3'

ClinVar aggregate classification (germline): Pathogenic (1 of 4 stars; one submission).

Conditions:
Ehlers-Danlos syndrome, classic type, 1 (EDSCL1). Also called: EHLERS-DANLOS SYNDROME, GRAVIS TYPE; EHLERS-DANLOS SYNDROME, SEVERE CLASSIC TYPE; Ehlers-Danlos syndrome, type 1; Ehlers-Danlos Syndrome, Classic Type, COL5A1-Related; EDS I. Identifiers: MedGen C0268335, MONDO:0019567, OMIM 130000.

Submission:

Labcorp Genetics (formerly Invitae), Labcorp
Classification: Pathogenic for Ehlers-Danlos syndrome, classic type, 1. Last evaluated: 2024-02-20. Review status: criteria provided, single submitter. Criteria: Invitae Variant Classification Sherloc (09022015). Collection method: clinical testing. Allele origin: germline.
Comment: This sequence change creates a premature translational stop signal (p.Arg1136*) in the COL5A2 gene. It is expected to result in an absent or disrupted protein product. Loss-of-function variants in COL5A2 are known to be pathogenic (PMID: 23587214). This variant is not present in population databases (gnomAD no frequency). This variant has not been reported in the literature in individuals affected with COL5A2-related conditions. For these reasons, this variant has been classified as Pathogenic.

Literature cited by the submitters: PubMed 23587214.